The following is an entry in ClinVar:

ClinVar aggregate classification (germline): Uncertain significance (1 of 4 stars; one submission).

Conditions:
Hereditary cancer-predisposing syndrome. Also called: Neoplastic Syndromes, Hereditary; Tumor predisposition; Hereditary neoplastic syndrome; Hereditary Cancer Syndrome. Identifiers: Orphanet 140162, MedGen C0027672, MeSH D009386, MONDO:0015356.

Submission:

Ambry Genetics
Classification: Uncertain significance for Hereditary cancer-predisposing syndrome. Last evaluated: 2023-01-16. Review status: criteria provided, single submitter. Criteria: Ambry Variant Classification Scheme 2023. Collection method: clinical testing. Allele origin: germline.
Comment: The p.S368T variant (also known as c.1102T>A), located in coding exon 9 of the POT1 gene, results from a T to A substitution at nucleotide position 1102. The serine at codon 368 is replaced by threonine, an amino acid with similar properties. This amino acid position is conserved. In addition, this alteration is predicted to be tolerated by in silico analysis. Since supporting evidence is limited at this time, the clinical significance of this alteration remains unclear.

NM_015450.3(POT1):c.1102T>A (p.Ser368Thr)

Gene: POT1 (protection of telomeres 1; minus strand). Cytogenetic location: 7q31.33.
Variant type: single nucleotide variant.
Coding change: c.1102T>A on transcript NM_015450.3 (MANE Select); coding-DNA position 1102, T replaced by A.
Protein change: p.Ser368Thr; replaces serine 368 with threonine.
Molecular consequence: missense variant. On other transcripts: non-coding transcript variant (3).
Genome position (GRCh38, 1-based): chr7:124,842,868, A>T on the plus strand (T>A on the coding strand, the complement: POT1 is on the minus strand). VCF-style: chr7-124842868-A-T. GRCh37 (hg19) VCF-style: chr7-124482922-A-T.
Other names: c.709T>A, p.Ser237Thr (NM_001042594.2); short protein forms S237T, S368T.
Identifiers: ClinVar variation 2450547 (VCV002450547.2), dbSNP rs2485401985, ClinGen allele CA369068319.